The following is an entry in ClinVar:

NM_001003699.4(RREB1):c.3191C>T (p.Pro1064Leu)

Gene: RREB1 (ras responsive element binding protein 1; plus strand). Cytogenetic location: 6p24.3.
Variant type: single nucleotide variant.
Coding change: c.3191C>T on transcript NM_001003699.4 (MANE Select); coding-DNA position 3191, C replaced by T.
Protein change: p.Pro1064Leu; replaces proline 1064 with leucine.
Molecular consequence: missense variant.
Genome position (GRCh38, 1-based): chr6:7,231,290, C>T. VCF-style: chr6-7231290-C-T. GRCh37 (hg19) VCF-style: chr6-7231523-C-T.
Other names: c.3191C>T, p.Pro1064Leu (NM_001003698.4, NM_001003700.2, NM_001168344.2); short protein forms P1064L.
Identifiers: ClinVar variation 3234203 (VCV003234203.20), dbSNP rs143874633, ClinGen allele CA3626092.

ClinVar aggregate classification (germline): Likely benign (1 of 4 stars; one submission).

Allele frequency attached by ClinVar (database versions not stated): ESP Exome Variant Server 0.00008; ExAC 0.00025; 1000 Genomes Project 0.00040; 1000 Genomes Project 30x 0.00047; gnomAD exomes 0.00051; TOPMed 0.00051.
gnomAD v4.1: 803 of 1,609,014 alleles (0.05%); highest among the groups gnomAD compares: Admixed American, 0.12%; 2 homozygotes.

Submission:

CeGaT Center for Human Genetics Tuebingen
Classification: Likely benign. Last evaluated: 2024-04-01. Review status: criteria provided, single submitter. Criteria: CeGaT Center For Human Genetics Tuebingen Variant Classification Criteria Version 2. Collection method: clinical testing. Allele origin: germline. Affected: yes. Observed: 1 variant allele.
Comment: RREB1: BS2